The following is an entry in ClinVar:

NM_000143.4(FH):c.158_166delinsTT (p.Glu53fs)

Gene: FH (fumarate hydratase; minus strand). Cytogenetic location: 1q43.
Variant type: Indel.
Coding change: c.158_166delinsTT on transcript NM_000143.4 (MANE Select); coding-DNA positions 158 to 166, AATATGATA replaced by TT.
Protein change: p.Glu53fs; shifts the reading frame from glutamic acid 53.
Molecular consequence: frameshift variant.
Genome position (GRCh38, 1-based): chr1:241,517,283-241,517,291, TATCATATT replaced by AA on the plus strand (AATATGATA replaced by TT on the coding strand, the reverse complement: FH is on the minus strand). VCF-style: chr1-241517283-TATCATATT-AA. GRCh37 (hg19) VCF-style: chr1-241680583-TATCATATT-AA.
Other names: short protein forms E53fs.
Identifiers: ClinVar variation 4642179 (VCV004642179.1).

ClinVar aggregate classification (germline): Pathogenic (1 of 4 stars; one submission).

Conditions:
Hereditary cancer-predisposing syndrome. Also called: Neoplastic Syndromes, Hereditary; Tumor predisposition; Hereditary Cancer Syndrome; Hereditary neoplastic syndrome. Identifiers: Orphanet 140162, MedGen C0027672, MeSH D009386, MONDO:0015356.

Submission:

Ambry Genetics
Classification: Pathogenic for Hereditary cancer-predisposing syndrome. Last evaluated: 2025-11-19. Review status: criteria provided, single submitter. Criteria: Ambry Variant Classification Scheme 2023. Collection method: clinical testing. Allele origin: germline.
Comment: The c.158_166delAATATGATAinsTT pathogenic mutation, located in coding exon 2 of the FH gene, results from the deletion of 9 nucleotides and insertion of two nucleotides causing a translational frameshift with a predicted alternate stop codon (p.E53Vfs*6). This variant is considered to be rare based on population cohorts in the Genome Aggregation Database (gnomAD). This alteration is expected to result in loss of function by premature protein truncation or nonsense-mediated mRNA decay. As such, this alteration is interpreted as a disease-causing mutation.